The following is an entry in ClinVar:

NM_021728.4(OTX2):c.587G>T (p.Gly196Val)

Gene: OTX2 (orthodenticle homeobox 2; minus strand). Cytogenetic location: 14q22.3.
Variant type: single nucleotide variant.
Coding change: c.587G>T on transcript NM_021728.4 (MANE Select); coding-DNA position 587, G replaced by T.
Protein change: p.Gly196Val; replaces glycine 196 with valine.
Molecular consequence: missense variant. On other transcripts: non-coding transcript variant (2).
Genome position (GRCh38, 1-based): chr14:56,802,042, C>A on the plus strand (G>T on the coding strand, the complement: OTX2 is on the minus strand). VCF-style: chr14-56802042-C-A. GRCh37 (hg19) VCF-style: chr14-57268760-C-A.
Other names: c.563G>T, p.Gly188Val (NM_001270523.2, NM_001270524.2, NM_172337.3); c.587G>T, p.Gly196Val (NM_001270525.2); short protein forms G188V, G196V.
Identifiers: ClinVar variation 3675294 (VCV003675294.2).

ClinVar aggregate classification (germline): Uncertain significance (1 of 4 stars; one submission).

Conditions:
Anophthalmia-microphthalmia syndrome. Also called: Anophthalmia/Microphthalmia; Anophthalmia - microphthalmia. Identifiers: Orphanet 98555, MedGen C5680330, MONDO:0020147.

Submission:

Labcorp Genetics (formerly Invitae), Labcorp
Classification: Uncertain significance for Anophthalmia-microphthalmia syndrome. Last evaluated: 2024-07-09. Review status: criteria provided, single submitter. Criteria: Invitae Variant Classification Sherloc (09022015). Collection method: clinical testing. Allele origin: germline.
Comment: This sequence change replaces glycine, which is neutral and non-polar, with valine, which is neutral and non-polar, at codon 188 of the OTX2 protein (p.Gly188Val). This variant is present in population databases (rs142205965, gnomAD 0.007%). This variant has not been reported in the literature in individuals affected with OTX2-related conditions. An algorithm developed to predict the effect of missense changes on protein structure and function (PolyPhen-2) suggests that this variant is likely to be disruptive. In summary, the available evidence is currently insufficient to determine the role of this variant in disease. Therefore, it has been classified as a Variant of Uncertain Significance.